The following is an entry in ClinVar:

ClinVar aggregate classification (germline): Benign (0 of 4 stars; one submission).

Conditions:
PHF3-related disorder. Also called: PHF3-related condition.

Allele frequency attached by ClinVar (database versions not stated): 1000 Genomes Project 0.01058; ESP Exome Variant Server 0.00800; gnomAD 0.00831; 1000 Genomes Project 30x 0.00953; ExAC 0.00262; TOPMed 0.00970.
gnomAD v4.1: 2,515 of 1,603,498 alleles (0.16%); highest among the groups gnomAD compares: African/African-American, 2.9%; 25 homozygotes.

Submissions (5):

PreventionGenetics, part of Exact Sciences
Classification: Benign for PHF3-related condition. Last evaluated: 2019-06-04. Review status: no assertion criteria provided. Collection method: clinical testing. Allele origin: germline.
Comment: This variant is classified as benign based on ACMG/AMP sequence variant interpretation guidelines (Richards et al. 2015 PMID: 25741868, with internal and published modifications).

Dr. Peter K. Rogan Lab, Western University
No classification provided (evidence only). Condition: Thyroid cancer, nonmedullary, 1. Review status: no classification provided. Collection method: in vitro. Allele origin: not applicable. Functional consequence: retained intron. Not counted in ClinVar's aggregate classification.

Dr. Peter K. Rogan Lab, Western University
No classification provided (evidence only). Condition: Sarcoma. Review status: no classification provided. Collection method: in vitro. Allele origin: not applicable. Functional consequence: retained intron. Not counted in ClinVar's aggregate classification.

Dr. Peter K. Rogan Lab, Western University
No classification provided (evidence only). Condition: Hepatocellular carcinoma. Review status: no classification provided. Collection method: in vitro. Allele origin: not applicable. Functional consequence: retained intron. Not counted in ClinVar's aggregate classification.

Dr. Peter K. Rogan Lab, Western University
No classification provided (evidence only). Condition: Thymoma. Review status: no classification provided. Collection method: in vitro. Allele origin: not applicable. Functional consequence: retained intron. Not counted in ClinVar's aggregate classification.

NM_001370348.2(PHF3):c.2681G>T (p.Gly894Val)

Gene: PHF3 (PHD finger protein 3; plus strand). Cytogenetic location: 6q12.
Variant type: single nucleotide variant.
Coding change: c.2681G>T on transcript NM_001370348.2 (MANE Select); coding-DNA position 2681, G replaced by T.
Protein change: p.Gly894Val; replaces glycine 894 with valine.
Molecular consequence: missense variant.
Genome position (GRCh38, 1-based): chr6:63,698,223, G>T. VCF-style: chr6-63698223-G-T. GRCh37 (hg19) VCF-style: chr6-64408113-G-T.
Other names: NC_000006.11:g.64408113G>T; c.2417G>T, p.Gly806Val (NM_001290259.2, NM_001370349.2); c.488G>T, p.Gly163Val (NM_001370350.2); c.2681G>T, p.Gly894Val (NM_015153.4); short protein forms G163V, G806V, G894V.
Identifiers: ClinVar variation 3043671 (VCV003043671.3), dbSNP rs35677001, ClinGen allele CA3875974.